The following is an entry in ClinVar:

ClinVar aggregate classification (germline): Uncertain significance (1 of 4 stars; one submission).

Allele frequency attached by ClinVar (database versions not stated): gnomAD exomes below 0.00001; TOPMed below 0.00001.
gnomAD v4.1: 3 of 1,613,668 alleles (0.00019%); highest among the groups gnomAD compares: East Asian, 0.0022%; no homozygotes.

Submission:

Ambry Genetics
Classification: Uncertain significance. Last evaluated: 2024-02-02. Review status: criteria provided, single submitter. Criteria: Ambry Variant Classification Scheme 2023. Collection method: clinical testing. Allele origin: germline.
Comment: The p.S910L variant (also known as c.2729C>T), located in coding exon 16 of the POLQ gene, results from a C to T substitution at nucleotide position 2729. The serine at codon 910 is replaced by leucine, an amino acid with dissimilar properties. This amino acid position is conserved. In addition, this alteration is predicted to be tolerated by in silico analysis. Since supporting evidence is limited at this time, the clinical significance of this alteration remains unclear.

NM_199420.4(POLQ):c.2729C>T (p.Ser910Leu)

Gene: POLQ (DNA polymerase theta; minus strand). Cytogenetic location: 3q13.33.
Variant type: single nucleotide variant.
Coding change: c.2729C>T on transcript NM_199420.4 (MANE Select); coding-DNA position 2729, C replaced by T.
Protein change: p.Ser910Leu; replaces serine 910 with leucine.
Molecular consequence: missense variant.
Genome position (GRCh38, 1-based): chr3:121,490,202, G>A on the plus strand (C>T on the coding strand, the complement: POLQ is on the minus strand). VCF-style: chr3-121490202-G-A. GRCh37 (hg19) VCF-style: chr3-121209049-G-A.
Other names: short protein forms S910L.
Identifiers: ClinVar variation 1795260 (VCV001795260.2), dbSNP rs1463427483, ClinGen allele CA354104920.
Genomic context (GRCh38, chr3:121,490,202, plus strand): 5'-GAACTCTTAGTTTGGGATATAAATGTGTGTTCCTTTACTTCGGACTCACTATGAGTCAAT[G>A]AGCATGTACTAGAATGTAACAGGGCACATGGATTCCATTGCACTCCCATTTCAACTAAGT-3'
Protein context (NP_955452.3, residues 900-920): PCALLHSSTC[Ser910Leu]LTHSESEVKE